The following is an entry in ClinVar:

NM_002458.3(MUC5B):c.10053C>T (p.Ser3351=)

Genes: MUC5B (mucin 5B, oligomeric mucus/gel-forming; plus strand), MUC5B-AS1 (MUC5B antisense RNA 1; minus strand). Cytogenetic location: 11p15.5.
Variant type: single nucleotide variant.
Coding change: c.10053C>T on transcript NM_002458.3 (MANE Select); coding-DNA position 10053, C replaced by T.
Protein change: p.Ser3351=; no amino-acid change (serine 3351 retained).
Molecular consequence: synonymous variant.
Genome position (GRCh38, 1-based): chr11:1,246,933, C>T. VCF-style: chr11-1246933-C-T. GRCh37 (hg19) VCF-style: chr11-1268163-C-T.
Identifiers: ClinVar variation 2641263 (VCV002641263.24), dbSNP rs1308565852, ClinGen allele CA472452867.

ClinVar aggregate classification (germline): Likely benign (1 of 4 stars; one submission).

Allele frequency attached by ClinVar (database versions not stated): 1000 Genomes Project 30x 0.00312.

Submission:

CeGaT Center for Human Genetics Tuebingen
Classification: Likely benign. Last evaluated: 2023-07-01. Review status: criteria provided, single submitter. Criteria: CeGaT Center For Human Genetics Tuebingen Variant Classification Criteria Version 2. Collection method: clinical testing. Allele origin: germline. Affected: yes. Observed: 2 variant alleles.
Comment: MUC5B: BP4, BP7